The following is an entry in ClinVar:

NM_052963.3(TOP1MT):c.893G>A (p.Arg298Gln)

Gene: TOP1MT (DNA topoisomerase I mitochondrial; minus strand). Cytogenetic location: 8q24.3.
Variant type: single nucleotide variant.
Coding change: c.893G>A on transcript NM_052963.3 (MANE Select); coding-DNA position 893, G replaced by A.
Protein change: p.Arg298Gln; replaces arginine 298 with glutamine.
Molecular consequence: missense variant.
Genome position (GRCh38, 1-based): chr8:143,324,066, C>T on the plus strand (G>A on the coding strand, the complement: TOP1MT is on the minus strand). VCF-style: chr8-143324066-C-T. GRCh37 (hg19) VCF-style: chr8-144406236-C-T.
Other names: c.599G>A, p.Arg200Gln (NM_001258446.1, NM_001258447.1); short protein forms R200Q, R298Q.
Identifiers: ClinVar variation 2511812 (VCV002511812.5), dbSNP rs577773438, ClinGen allele CA4908639.
Genomic context (GRCh38, chr8:143,324,066, plus strand): 5'-ATGAAATACAGGGCCACCGCCCGCTGTCTCGTCTTCATTTCCCGAGACTTCCAGTCAGCC[C>T]GGTACTGGGAGCGGATCTCGTCCACAAATCCCCGCAGGCGTCGAGCTGTTTCAAACTTCT-3'
Protein context (NP_443195.1, residues 288-308): GFVDEIRSQY[Arg298Gln]ADWKSREMKT

ClinVar aggregate classification (germline): Conflicting classifications of pathogenicity. Review status: criteria provided, conflicting classifications (1 of 4 stars). 2 submissions from 2 submitters: Uncertain significance (1); Likely benign (1). Last evaluated 2023-06-27.

Allele frequency attached by ClinVar (database versions not stated): gnomAD exomes 0.00001; ExAC 0.00005; 1000 Genomes Project 0.00040; 1000 Genomes Project 30x 0.00047.
gnomAD v4.1: 30 of 1,613,880 alleles (0.0019%); highest among the groups gnomAD compares: Admixed American, 0.013%; no homozygotes.

Submissions (2):

Labcorp Genetics (formerly Invitae), Labcorp
Classification: Uncertain significance. Last evaluated: 2023-06-27. Review status: criteria provided, single submitter. Criteria: Invitae Variant Classification Sherloc (09022015). Collection method: clinical testing. Allele origin: germline.
Comment: This sequence change replaces arginine, which is basic and polar, with glutamine, which is neutral and polar, at codon 298 of the TOP1MT protein (p.Arg298Gln). In summary, the available evidence is currently insufficient to determine the role of this variant in disease. Therefore, it has been classified as a Variant of Uncertain Significance. Advanced modeling of protein sequence and biophysical properties (such as structural, functional, and spatial information, amino acid conservation, physicochemical variation, residue mobility, and thermodynamic stability) performed at Invitae indicates that this missense variant is not expected to disrupt TOP1MT protein function. This variant has not been reported in the literature in individuals affected with TOP1MT-related conditions. This variant is present in population databases (rs577773438, gnomAD 0.01%).

Ambry Genetics
Classification: Likely benign. Last evaluated: 2023-06-14. Review status: criteria provided, single submitter. Criteria: Ambry Variant Classification Scheme 2023. Collection method: clinical testing. Allele origin: germline.